The following is an entry in ClinVar:

ClinVar aggregate classification (germline): Likely pathogenic. Review status: reviewed by expert panel (3 of 4 stars). 6 submissions from 6 submitters: Likely pathogenic (1). 5 of the submissions do not count toward it. Last evaluated 2025-08-18.

Conditions:
BRCA1-related cancer predisposition. Identifiers: MedGen CN377757, MONDO:0700268.
Hereditary cancer-predisposing syndrome. Also called: Hereditary Cancer Syndrome; Neoplastic Syndromes, Hereditary; Hereditary neoplastic syndrome; Tumor predisposition. Identifiers: Orphanet 140162, MedGen C0027672, MeSH D009386, MONDO:0015356.
Breast-ovarian cancer, familial, susceptibility to, 1 (BROVCA1). Also called: BRCA1 Hereditary Breast and Ovarian Cancer; OVARIAN CANCER, SUSCEPTIBILITY TO. Identifiers: Orphanet 145, MedGen C2676676, MONDO:0011450, OMIM 604370. Disease mechanism: loss of function.
Hereditary breast ovarian cancer syndrome. Also called: Hereditary breast and/or ovarian cancer syndrome; Hereditary breast and ovarian cancer syndrome; Hereditary breast and ovarian cancer; Hereditary breast and ovarian cancer syndrome (HBOC); Breast and ovarian cancer; BRCA1- and BRCA2-Associated Hereditary Breast and Ovarian Cancer. Identifiers: Orphanet 145, MedGen C0677776, MeSH D061325, MONDO:0003582. Disease mechanism: loss of function.

Submissions (7):

ClinGen ENIGMA BRCA1 and BRCA2 Variant Curation Expert Panel, ClinGen
Classification: Likely pathogenic for BRCA1-related cancer predisposition. Last evaluated: 2025-08-18. Review status: reviewed by expert panel. Criteria: CSpec BRCA1/2ACMG Rules Specifications V1.2. Collection method: curation. Allele origin: germline. Inheritance: Autosomal dominant inheritance.
Comment: The c.5339T>G variant in BRCA1 is a missense variant predicted to cause substitution of Leucine by Arginine at amino acid 1780 (p.(Leu1780Arg)). This variant is absent from gnomAD v2.1 (exomes only, non-cancer subset, read depth ≥25) and gnomAD v3.1 (non-cancer subset, read depth ≥25) (PM2_Supporting met). Reported by one calibrated study to exhibit protein function similar to pathogenic control variants (PMID:30209399) (PS3 met). This BRCA1 missense variant is within a key functional domain and the computational predictor BayesDel (noAF) gives a score of 0.41, above the recommended threshold of 0.28 for prediction of impact on BRCA1 function via protein change. A SpliceAI score of 0.01 predicts no impact on splicing (score threshold <0.10) (PP3 met). Multifactorial likelihood ratio analysis using clinically calibrated data produced a combined LR for this variant of 0.99 (based on Family History LR=0.99), which is above the ENIGMA BRCA1/2 VCEP threshold for BP5 (>0.48) and below PP4 (<2.08) (BP5 and PP4 not met; PMID: 31853058). In summary, this variant meets the criteria to be classified as a Likely pathogenic variant for BRCA1-related cancer predisposition based on the ACMG/AMP criteria applied as specified by the ENIGMA BRCA1/2 VCEP (PM2_Supporting, PP3, PS3).

Ambry Genetics
Classification: Likely pathogenic for Hereditary cancer-predisposing syndrome. Last evaluated: 2025-12-12. Review status: criteria provided, single submitter. Criteria: Ambry Variant Classification Scheme 2023. Collection method: clinical testing. Allele origin: germline. Not counted in ClinVar's aggregate classification.
Comment: The p.L1780R variant (also known as c.5339T>G), located in coding exon 20 of the BRCA1 gene, results from a T to G substitution at nucleotide position 5339. The leucine at codon 1780 is replaced by arginine, an amino acid with dissimilar properties. One functional study found that this nucleotide substitution is deleterious in a high throughput genome editing haploid cell survival assay (Findlay GM et al. Nature, 2018 10;562:217-222). Based on internal structural analysis, this variant is more disruptive than known pathogenic variants (Wu Q et al. Mol. Cell, 2016 Feb;61:434-448). This amino acid position is highly conserved in available vertebrate species. In addition, this alteration is predicted to be deleterious by in silico analysis. This variant is considered to be rare based on population cohorts in the Genome Aggregation Database (gnomAD). Based on the majority of available evidence to date, this variant is likely to be pathogenic.

Labcorp Genetics (formerly Invitae), Labcorp
Classification: Likely pathogenic for Hereditary breast ovarian cancer syndrome. Last evaluated: 2025-08-21. Review status: criteria provided, single submitter. Criteria: Invitae Variant Classification Sherloc (09022015). Collection method: clinical testing. Allele origin: germline. Not counted in ClinVar's aggregate classification.
Comment: This sequence change replaces leucine, which is neutral and non-polar, with arginine, which is basic and polar, at codon 1780 of the BRCA1 protein (p.Leu1780Arg). This variant is not present in population databases (gnomAD no frequency). This variant has not been reported in the literature in individuals affected with BRCA1-related conditions. ClinVar contains an entry for this variant (Variation ID: 96949). Invitae Evidence Modeling incorporating data from in vitro experimental studies (PMID: 30209399) indicates that this missense variant is expected to disrupt BRCA1 function with a positive predictive value of 95%. Experimental studies have shown that this missense change affects BRCA1 function (PMID: 30209399). This variant disrupts the p.Leu1780Pro amino acid residue in BRCA1. Other variant(s) that disrupt this residue have been determined to be pathogenic (PMID: 28364669; internal data). This suggests that this residue is clinically significant, and that variants that disrupt this residue are likely to be disease-causing. In summary, the currently available evidence indicates that the variant is pathogenic, but additional data are needed to prove that conclusively. Therefore, this variant has been classified as Likely Pathogenic.

Women's Health and Genetics/Laboratory Corporation of America, LabCorp
Classification: Pathogenic for Hereditary breast ovarian cancer syndrome. Last evaluated: 2025-01-20. Review status: criteria provided, single submitter. Criteria: LabCorp Variant Classification Summary - May 2015. Collection method: clinical testing. Allele origin: germline. Not counted in ClinVar's aggregate classification.
Comment: Variant summary: BRCA1 c.5339T>G (p.Leu1780Arg) results in a non-conservative amino acid change located in the BRCT domain (IPR001357) of the encoded protein sequence. Five of five in-silico tools predict a damaging effect of the variant on protein function. The variant was absent in 251430 control chromosomes. To our knowledge, no occurrence of c.5339T>G in individuals affected with Hereditary Breast And Ovarian Cancer Syndrome has been reported. A different variant affecting the same codon has been classified as pathogenic by our lab (c.5339T>C, p.Leu1780Pro), supporting the critical relevance of codon 1780 to BRCA1 protein function. At least one experimental study reports experimental evidence evaluating an impact on protein function and showed this variant to be non-functional in a homology directed repair (HDR) assay (e.g. Findlay_2018). HDR assays qualify as a recognized gold standard on the basis of updated guidance provided by the ClinGen Sequence Variant Interpretation (SVI) working group. The following publication has been ascertained in the context of this evaluation (PMID: 30209399). ClinVar contains an entry for this variant (Variation ID: 96949). Based on the evidence outlined above, the variant was classified as pathogenic.

Counsyl
Classification: Uncertain significance for Breast-ovarian cancer, familial, susceptibility to, 1. Last evaluated: 2017-01-03. Review status: no assertion criteria provided. Collection method: clinical testing. Allele origin: unknown. Not counted in ClinVar's aggregate classification.

Sharing Clinical Reports Project (SCRP)
Classification: Uncertain significance for Breast-ovarian cancer, familial 1. Last evaluated: 2012-05-01. Review status: no assertion criteria provided. Collection method: clinical testing. Allele origin: germline. Not counted in ClinVar's aggregate classification.

Brotman Baty Institute, University of Washington
No classification provided (evidence only). Condition: Breast-ovarian cancer, familial 1. Review status: no classification provided. Collection method: in vitro. Allele origin: not applicable. Functional consequence: functionally_abnormal. Not counted in ClinVar's aggregate classification.
ClinVar note: "not provided" was previously submitted as the classification for the variant. However, the classification appeared to be based only on an observation of functional data so it was converted to no classification on 2025-07-30.

Literature cited by the submitters: PubMed 26778126 (cited by Ambry Genetics); PubMed 30209399 (cited by 3 submitters); PubMed 28364669 (cited by Labcorp Genetics (formerly Invitae), Labcorp).

NM_007294.4(BRCA1):c.5339T>G (p.Leu1780Arg)

Gene: BRCA1 (BRCA1 DNA repair associated; minus strand). Cytogenetic location: 17q21.31.
Variant type: single nucleotide variant.
Coding change: c.5339T>G on transcript NM_007294.4 (MANE Select); coding-DNA position 5339, T replaced by G.
Protein change: p.Leu1780Arg; replaces leucine 1780 with arginine.
Molecular consequence: missense variant. On other transcripts: non-coding transcript variant (1), intron variant (1).
Genome position (GRCh38, 1-based): chr17:43,049,188, A>C on the plus strand (T>G on the coding strand, the complement: BRCA1 is on the minus strand). VCF-style: chr17-43049188-A-C. GRCh37 (hg19) VCF-style: chr17-41201205-A-C.
Other names: NM_007294.4(BRCA1):c.5339T>G; p.Leu1780Arg; 5458T>G; c.5261T>G, p.Leu1754Arg (NM_001407652.1, NM_001407653.1, NM_001407654.1 and 1 more transcripts); c.5255T>G, p.Leu1752Arg (NM_001407663.1, NM_001407659.1, NM_001407660.1 and 2 more transcripts); c.5216T>G, p.Leu1739Arg (NM_001407664.1, NM_001407665.1, NM_001407666.1 and 3 more transcripts); c.5213T>G, p.Leu1738Arg (NM_001407670.1, NM_001407671.1, NM_001407672.1 and 8 more transcripts); c.5210T>G, p.Leu1737Arg (NM_001407682.1, NM_001407683.1, NM_001407685.1 and 5 more transcripts); and 76 more; short protein forms L1780R, L676R, L1733R, L1801R, L1651R, L1691R, L1709R, L1739R.
Identifiers: ClinVar variation 96949 (VCV000096949.20), dbSNP rs80357474, ClinGen allele CA003509.